The following is an entry in ClinVar:

ClinVar aggregate classification (germline): Conflicting classifications of pathogenicity. Review status: criteria provided, conflicting classifications (1 of 4 stars). 2 submissions from 2 submitters: Uncertain significance (1); Likely benign (1). Last evaluated 2024-03-25.

Conditions:
Chédiak-Higashi syndrome (CHS). Also called: Chediak-Higashi Syndrome. Identifiers: Orphanet 167, MedGen C0007965, MONDO:0008963, OMIM 214500.

Allele frequency attached by ClinVar (database versions not stated): gnomAD 0.00001; gnomAD exomes 0.00001; TOPMed 0.00001; ExAC 0.00003.
gnomAD v4.1: 25 of 1,613,778 alleles (0.0015%); highest among the groups gnomAD compares: South Asian, 0.011%; no homozygotes.

Submissions (2):

Blueprint Genetics
Classification: Likely benign. Last evaluated: 2024-03-25. Review status: criteria provided, single submitter. Criteria: ACMG Guidelines, 2015. Collection method: clinical testing. Allele origin: germline.

Labcorp Genetics (formerly Invitae), Labcorp
Classification: Uncertain significance for Chédiak-Higashi syndrome. Last evaluated: 2022-03-24. Review status: criteria provided, single submitter. Criteria: Invitae Variant Classification Sherloc (09022015). Collection method: clinical testing. Allele origin: germline.
Comment: This sequence change affects codon 3529 of the LYST mRNA. It is a 'silent' change, meaning that it does not change the encoded amino acid sequence of the LYST protein. This variant is present in population databases (rs758605873, gnomAD 0.006%). This variant has not been reported in the literature in individuals affected with LYST-related conditions. Algorithms developed to predict the effect of sequence changes on RNA splicing suggest that this variant may disrupt the consensus splice site. In summary, the available evidence is currently insufficient to determine the role of this variant in disease. Therefore, it has been classified as a Variant of Uncertain Significance.

NM_000081.4(LYST):c.10587G>A (p.Thr3529=)

Gene: LYST (lysosomal trafficking regulator; minus strand). Cytogenetic location: 1q42.3.
Variant type: single nucleotide variant.
Coding change: c.10587G>A on transcript NM_000081.4 (MANE Select); coding-DNA position 10587, G replaced by A.
Protein change: p.Thr3529=; no amino-acid change (threonine 3529 retained).
Molecular consequence: synonymous variant.
Genome position (GRCh38, 1-based): chr1:235,693,464, C>T on the plus strand (G>A on the coding strand, the complement: LYST is on the minus strand). VCF-style: chr1-235693464-C-T. GRCh37 (hg19) VCF-style: chr1-235856764-C-T.
Other names: c.10587G>A, p.Thr3529= (NM_001301365.1).
Identifiers: ClinVar variation 2074102 (VCV002074102.2), dbSNP rs758605873, ClinGen allele CA1465326.